The following is an entry in ClinVar:

ClinVar aggregate classification (germline): Uncertain significance. Review status: criteria provided, multiple submitters, no conflicts (2 of 4 stars). 2 submissions from 2 submitters: Uncertain significance (2). Last evaluated 2023-05-11.

Submissions (2):

Labcorp Genetics (formerly Invitae), Labcorp
Classification: Uncertain significance. Last evaluated: 2023-05-11. Review status: criteria provided, single submitter. Criteria: Invitae Variant Classification Sherloc (09022015). Collection method: clinical testing. Allele origin: germline.
Comment: In summary, the available evidence is currently insufficient to determine the role of this variant in disease. Therefore, it has been classified as a Variant of Uncertain Significance. Advanced modeling of protein sequence and biophysical properties (such as structural, functional, and spatial information, amino acid conservation, physicochemical variation, residue mobility, and thermodynamic stability) performed at Invitae indicates that this missense variant is not expected to disrupt PAX3 protein function. This variant has not been reported in the literature in individuals affected with PAX3-related conditions. This variant is not present in population databases (gnomAD no frequency). This sequence change replaces leucine, which is neutral and non-polar, with valine, which is neutral and non-polar, at codon 388 of the PAX3 protein (p.Leu388Val).

Blueprint Genetics
Classification: Uncertain significance. Last evaluated: 2022-07-15. Review status: criteria provided, single submitter. Criteria: ACMG Guidelines, 2015. Collection method: clinical testing. Allele origin: germline.

NM_181458.4(PAX3):c.1162C>G (p.Leu388Val)

Genes: PAX3 (paired box 3; minus strand), LOC126806529 (CDK7 strongly-dependent group 2 enhancer GRCh37_chr2:223084735-223085934; plus strand). Cytogenetic location: 2q36.1.
Variant type: single nucleotide variant.
Coding change: c.1162C>G on transcript NM_181458.4 (MANE Select); coding-DNA position 1162, C replaced by G.
Protein change: p.Leu388Val; replaces leucine 388 with valine.
Molecular consequence: missense variant.
Genome position (GRCh38, 1-based): chr2:222,220,151, G>C on the plus strand (C>G on the coding strand, the complement: PAX3 is on the minus strand). VCF-style: chr2-222220151-G-C. GRCh37 (hg19) VCF-style: chr2-223084870-G-C.
Other names: c.1159C>G, p.Leu387Val (NM_001127366.3); c.1162C>G, p.Leu388Val (NM_181457.4, NM_181459.4, NM_181460.4 and 1 more transcripts); short protein forms L387V, L388V.
Identifiers: ClinVar variation 2863272 (VCV002863272.4), dbSNP rs2469248098, ClinGen allele CA351115972.
Genomic context (GRCh38, chr2:222,220,151, plus strand): 5'-TTTGGTTCTGGTATACAGCAAATCGTCTGTCTAGAAACACGGGACTGACCTGAGGTGAGA[G>C]GCCATTGCCAATGGTGGGGTTCATGGGGTTGGAGGGCCCCGACGGAGGCACAAAGCTGTC-3'
Protein context (NP_852123.1, residues 378-398): NPMNPTIGNG[Leu388Val]SPQVMGLLTN